The following is an entry in ClinVar:

NM_001367624.2(ZNF469):c.9245C>G (p.Ala3082Gly)

Gene: ZNF469 (zinc finger protein 469; plus strand). Cytogenetic location: 16q24.2.
Variant type: single nucleotide variant.
Coding change: c.9245C>G on transcript NM_001367624.2 (MANE Select); coding-DNA position 9245, C replaced by G.
Protein change: p.Ala3082Gly; replaces alanine 3082 with glycine.
Molecular consequence: missense variant.
Genome position (GRCh38, 1-based): chr16:88,436,715, C>G. VCF-style: chr16-88436715-C-G. GRCh37 (hg19) VCF-style: chr16-88503123-C-G.
Other names: NM_001127464.1:c.9161C>G; p.Ala3082Gly; short protein forms A3082G.
Identifiers: ClinVar variation 1335227 (VCV001335227.38), dbSNP rs1015869921, ClinGen allele CA286385233.

ClinVar aggregate classification (germline): Uncertain significance. Review status: criteria provided, multiple submitters, no conflicts (2 of 4 stars). 4 submissions from 4 submitters: Uncertain significance (4). Last evaluated 2023-12-12.

gnomAD v4.1: 17 of 1,549,044 alleles (0.0011%); highest among the groups gnomAD compares: Admixed American, 0.0039%; no homozygotes.

Submissions (4):

Mayo Clinic Laboratories, Mayo Clinic
Classification: Uncertain significance. Last evaluated: 2023-12-12. Review status: criteria provided, single submitter. Criteria: ACMG Guidelines, 2015. Collection method: clinical testing. Allele origin: germline. Observed: 1 variant allele.
Comment: BP4_strong

GeneDx
Classification: Uncertain significance. Last evaluated: 2023-08-31. Review status: criteria provided, single submitter. Criteria: GeneDx Variant Classification Process June 2021. Collection method: clinical testing. Allele origin: germline. Affected: yes.
Comment: Has not been previously published as pathogenic or benign to our knowledge; Not observed at significant frequency in large population cohorts (gnomAD); In silico analysis supports that this missense variant does not alter protein structure/function

Labcorp Genetics (formerly Invitae), Labcorp
Classification: Uncertain significance. Last evaluated: 2022-07-12. Review status: criteria provided, single submitter. Criteria: Invitae Variant Classification Sherloc (09022015). Collection method: clinical testing. Allele origin: germline.
Comment: This sequence change replaces alanine, which is neutral and non-polar, with glycine, which is neutral and non-polar, at codon 3054 of the ZNF469 protein (p.Ala3054Gly). This variant is present in population databases (no rsID available, gnomAD 0.006%). This variant has not been reported in the literature in individuals affected with ZNF469-related conditions. ClinVar contains an entry for this variant (Variation ID: 1335227). Algorithms developed to predict the effect of missense changes on protein structure and function output the following: SIFT: "Tolerated"; PolyPhen-2: "Benign"; Align-GVGD: "Class C0". The glycine amino acid residue is found in multiple mammalian species, which suggests that this missense change does not adversely affect protein function. In summary, the available evidence is currently insufficient to determine the role of this variant in disease. Therefore, it has been classified as a Variant of Uncertain Significance.

CeGaT Center for Human Genetics Tuebingen
Classification: Uncertain significance. Last evaluated: 2021-12-01. Review status: criteria provided, single submitter. Criteria: CeGaT Center For Human Genetics Tuebingen Variant Classification Criteria Version 2. Collection method: clinical testing. Allele origin: germline. Affected: yes. Observed: 1 variant allele.